The following is an entry in ClinVar:

NM_194454.3(KRIT1):c.-312A>G

Gene: KRIT1 (KRIT1 ankyrin repeat containing; minus strand). Cytogenetic location: 7q21.2.
Variant type: single nucleotide variant.
Coding change: c.-312A>G on transcript NM_194454.3 (MANE Select); 312 bases upstream of the start codon, A replaced by G.
Molecular consequence: 5 prime UTR variant. On other transcripts: intron variant (12).
Genome position (GRCh38, 1-based): chr7:92,245,063, T>C on the plus strand (A>G on the coding strand, the complement: KRIT1 is on the minus strand). VCF-style: chr7-92245063-T-C. GRCh37 (hg19) VCF-style: chr7-91874377-T-C.
Other names: c.-164A>G (NM_001013406.2, NM_001350669.1, NM_001350673.1 and 4 more transcripts); c.-312A>G (NM_001350670.1, NM_001350674.1, NM_001350675.1 and 10 more transcripts); c.-747A>G (NM_001350671.1); c.-3+843A>G (NM_001350672.1); c.-3+364A>G (NM_001350677.1, NM_001350678.1, NM_001350687.1 and 3 more transcripts); c.-3+402A>G (NM_001350680.1, NM_001350694.1, NM_001350691.1); c.-151+364A>G (NM_001350693.1, NM_001350692.1).
Identifiers: ClinVar variation 360895 (VCV000360895.5), dbSNP rs538102163, ClinGen allele CA10629627.
Genomic context (GRCh38, chr7:92,245,063, plus strand): 5'-ACATCCTCTTAGTATGCTAGACAGCGTTTGCAAACAGAAACTGTAAAGGCACATATGCAC[T>C]CCAGAAGGGTAAGAAAATAATGAGGCTGAGATCCTGAGTTGGACCACCGAGATGAAAGAC-3'

ClinVar aggregate classification (germline): Benign/Likely benign. Review status: criteria provided, single submitter (1 of 4 stars). 2 submissions from 1 submitter: Benign (1); Likely benign (1). Last evaluated 2018-01-13.

Conditions:
Cerebral cavernous malformation (CCM). Also called: CAVERNOUS ANGIOMA, FAMILIAL; CAVERNOUS ANGIOMATOUS MALFORMATIONS; CEREBRAL CAPILLARY MALFORMATIONS; Cavernous Hemangioma of Brain; Cerebral cavernous hemangioma (type); Cerebral cavernous malformations. Identifiers: Orphanet 221061, MedGen C2919945, MONDO:0000820, OMIM 116860, HP:0033522.
Angiokeratoma corporis diffusum with arteriovenous fistulas. Identifiers: MedGen C1838141, MONDO:0010885, OMIM 600419.

Allele frequency attached by ClinVar (database versions not stated): gnomAD 0.00001 and 0.00015; TOPMed 0.00002; 1000 Genomes Project 30x 0.00094; 1000 Genomes Project 0.00100.

Submissions (2):

Illumina Laboratory Services, Illumina
Classification: Benign for Angiokeratoma corporis diffusum with arteriovenous fistulas. Last evaluated: 2018-01-13. Review status: criteria provided, single submitter. Criteria: ICSL Variant Classification Criteria 13 December 2019. Collection method: clinical testing. Allele origin: germline.
Comment: This variant was observed in the ICSL laboratory as part of a predisposition screen in an ostensibly healthy population. It had not been previously curated by ICSL or reported in the Human Gene Mutation Database (HGMD: prior to June 1st, 2018), and was therefore a candidate for classification through an automated scoring system. Utilizing variant allele frequency, disease prevalence and penetrance estimates, and inheritance mode, an automated score was calculated to assess if this variant is too frequent to cause the disease. Based on the score and internal cut-off values, a variant classified as benign is not then subjected to further curation. The score for this variant resulted in a classification of benign for this disease.

Illumina Laboratory Services, Illumina
Classification: Likely benign for Cerebral cavernous malformation. Last evaluated: 2018-01-13. Review status: criteria provided, single submitter. Criteria: ICSL Variant Classification Criteria 13 December 2019. Collection method: clinical testing. Allele origin: germline.
Comment: This variant was observed in the ICSL laboratory as part of a predisposition screen in an ostensibly healthy population. It had not been previously curated by ICSL or reported in the Human Gene Mutation Database (HGMD: prior to June 1st, 2018), and was therefore a candidate for classification through an automated scoring system. Utilizing variant allele frequency, disease prevalence and penetrance estimates, and inheritance mode, an automated score was calculated to assess if this variant is too frequent to cause the disease. Based on the score and internal cut-off values, a variant classified as likely benign is not then subjected to further curation. The score for this variant resulted in a classification of likely benign for this disease.